The following is an entry in ClinVar:

ClinVar aggregate classification (germline): Benign. Review status: criteria provided, multiple submitters, no conflicts (2 of 4 stars). 5 submissions from 5 submitters: Benign (3). 2 of the submissions do not count toward it. Last evaluated 2026-01-28.

Conditions:
Immunodeficiency 51 (IMD51). Also called: CANDIDIASIS, FAMILIAL, 5. Identifiers: Orphanet 1334, MedGen C4310803, MONDO:0013500, OMIM 613953.

Allele frequency attached by ClinVar (database versions not stated): gnomAD exomes 0.00079 and 0.00195; ExAC 0.00342; ESP Exome Variant Server 0.00738; gnomAD 0.00795 and 0.00845; TOPMed 0.00909; 1000 Genomes Project 0.00938; 1000 Genomes Project 30x 0.01015.

Submissions (5):

Labcorp Genetics (formerly Invitae), Labcorp
Classification: Benign for Immunodeficiency 51. Last evaluated: 2026-01-28. Review status: criteria provided, single submitter. Criteria: Invitae Variant Classification Sherloc (09022015). Collection method: clinical testing. Allele origin: germline.

Illumina Laboratory Services, Illumina
Classification: Benign for Immunodeficiency 51. Last evaluated: 2018-01-12. Review status: criteria provided, single submitter. Criteria: ICSL Variant Classification Criteria 13 December 2019. Collection method: clinical testing. Allele origin: germline.
Comment: This variant was observed in the ICSL laboratory as part of a predisposition screen in an ostensibly healthy population. It had not been previously curated by ICSL or reported in the Human Gene Mutation Database (HGMD: prior to June 1st, 2018), and was therefore a candidate for classification through an automated scoring system. Utilizing variant allele frequency, disease prevalence and penetrance estimates, and inheritance mode, an automated score was calculated to assess if this variant is too frequent to cause the disease. Based on the score and internal cut-off values, a variant classified as benign is not then subjected to further curation. The score for this variant resulted in a classification of benign for this disease.

Breakthrough Genomics
Classification: Benign. Review status: criteria provided, single submitter. Criteria: ACMG Guidelines, 2015. Collection method: not provided. Allele origin: germline. Inheritance: Autosomal recessive inheritance. Affected: yes.

Clinical Genetics DNA and cytogenetics Diagnostics Lab, Erasmus MC, Erasmus Medical Center
Classification: Benign. Review status: no assertion criteria provided. Collection method: clinical testing. Allele origin: germline. Affected: yes. Study: VKGL Data-share Consensus. Not counted in ClinVar's aggregate classification.

Genome Diagnostics Laboratory, University Medical Center Utrecht
Classification: Likely benign. Review status: no assertion criteria provided. Collection method: clinical testing. Allele origin: germline. Affected: yes. Study: VKGL Data-share Consensus. Not counted in ClinVar's aggregate classification.

NM_014339.7(IL17RA):c.1819G>A (p.Glu607Lys)

Gene: IL17RA (interleukin 17 receptor A; plus strand). Cytogenetic location: 22q11.1.
Variant type: single nucleotide variant.
Coding change: c.1819G>A on transcript NM_014339.7 (MANE Select); coding-DNA position 1819, G replaced by A.
Protein change: p.Glu607Lys; replaces glutamic acid 607 with lysine.
Molecular consequence: missense variant.
Genome position (GRCh38, 1-based): chr22:17,109,038, G>A. VCF-style: chr22-17109038-G-A. GRCh37 (hg19) VCF-style: chr22-17589928-G-A.
Other names: c.1717G>A, p.Glu573Lys (NM_001289905.2); short protein forms E607K, E573K.
Identifiers: ClinVar variation 542922 (VCV000542922.18), dbSNP rs28376631, ClinGen allele CA10086859.